The following is an entry in ClinVar:

ClinVar aggregate classification (germline): Pathogenic/Likely pathogenic. Review status: criteria provided, multiple submitters, no conflicts (2 of 4 stars). 7 submissions from 7 submitters: Pathogenic (1); Likely pathogenic (5). 1 of the submissions does not count toward it. Last evaluated 2025-11-10.

Conditions:
Peroxisome biogenesis disorder, complementation group 7 (CG7). Also called: Peroxisome biogenesis disorder, complementation group B. Identifiers: MedGen C1864399.
Peroxisome biogenesis disorder 6A (Zellweger). Also called: Peroxisome biogenesis disorder 6A. Identifiers: Orphanet 912, MedGen C3553947, MONDO:0013936, OMIM 614870.
Peroxisome biogenesis disorder. Identifiers: Orphanet 79189, MedGen C1832200, MONDO:0019234. Disease mechanism: loss of function.
Peroxisome biogenesis disorder 6B (PBD6B). Identifiers: Orphanet 44, MedGen C3553948, MONDO:0013937, OMIM 614871.
Zellweger spectrum disorders (ZS). Also called: Zellweger Spectrum Disorder; Zellweger Spectrum; Zellweger syndrome; Zellweger Spectrum Disorder (ZSD). Identifiers: Orphanet 912, MedGen C0043459, MONDO:0019609.

Allele frequency attached by ClinVar (database versions not stated): gnomAD exomes below 0.00001.

Submissions (7):

Natera, Inc.
Classification: Likely pathogenic for Zellweger syndrome. Last evaluated: 2025-11-10. Review status: criteria provided, single submitter. Criteria: Natera Variant Classification Schema (03/2026). Collection method: clinical testing. Allele origin: germline.
Comment: The c.972+1G>C variant in PEX10 is a canonical splice donor site variant predicted to affect pre-mRNA splicing, which may result in an abnormal transcript and altered protein product. This variant is expected to result in nonsense mediated decay, truncation, or a dysfunctional protein product. This variant is rare in the general population with a frequency below the threshold expected for the associated phenotype(s). Given the available evidence, this variant is classified as Likely Pathogenic.

Myriad Genetics, Inc.
Classification: Likely pathogenic for Peroxisome biogenesis disorder. Last evaluated: 2025-10-22. Review status: criteria provided, single submitter. Criteria: Myriad Autosomal Dominant, Autosomal Recessive and X-Linked Classification Criteria (2023). Collection method: clinical testing. Allele origin: unknown.
Comment: NM_153818.1(PEX10):c.972+1G>C is a variant in a canonical splice site classified as likely pathogenic in the context of peroxisome biogenesis disorder type 6. c.972+1G>C has not been observed in cases with relevant disease. Relevant functional assessments of this variant are not available in the literature. c.972+1G>C has not been observed in referenced population frequency databases. In summary, NM_153818.1(PEX10):c.972+1G>C is a variant in a canonical splice site in a gene where loss of function is a known mechanism of disease and is predicted to disrupt protein function. Please note: this variant was assessed in the context of healthy population screening.

Fulgent Genetics
Classification: Likely pathogenic for Peroxisome biogenesis disorder 6A (Zellweger); Peroxisome biogenesis disorder 6B. Last evaluated: 2024-06-23. Review status: criteria provided, single submitter. Criteria: ACMG Guidelines, 2015. Collection method: clinical testing. Allele origin: germline.

Labcorp Genetics (formerly Invitae), Labcorp
Classification: Pathogenic for Peroxisome biogenesis disorder, complementation group 7. Last evaluated: 2022-12-26. Review status: criteria provided, single submitter. Criteria: Invitae Variant Classification Sherloc (09022015). Collection method: clinical testing. Allele origin: germline.
Comment: ClinVar contains an entry for this variant (Variation ID: 554342). For these reasons, this variant has been classified as Pathogenic. This variant disrupts a region of the PEX10 protein in which other variant(s) (p.Arg331Gln) have been determined to be pathogenic (PMID: 20695019, 27230853). This suggests that this is a clinically significant region of the protein, and that variants that disrupt it are likely to be disease-causing. Variants that disrupt the consensus splice site are a relatively common cause of aberrant splicing (PMID: 17576681, 9536098). Algorithms developed to predict the effect of sequence changes on RNA splicing suggest that this variant may disrupt the consensus splice site. This variant has not been reported in the literature in individuals affected with PEX10-related conditions. This variant is not present in population databases (gnomAD no frequency). This sequence change affects a donor splice site in intron 5 of the PEX10 gene. While this variant is not anticipated to result in nonsense mediated decay, it likely alters RNA splicing and results in a disrupted protein product.

Baylor Genetics
Classification: Likely pathogenic for Peroxisome biogenesis disorder 6A (Zellweger). Last evaluated: 2022-08-21. Review status: criteria provided, single submitter. Criteria: ACMG Guidelines, 2015. Collection method: clinical testing. Allele origin: unknown.

Revvity Omics, Revvity
Classification: Likely pathogenic. Last evaluated: 2020-07-10. Review status: criteria provided, single submitter. Criteria: ACMG Guidelines, 2015. Collection method: clinical testing. Allele origin: germline.

Counsyl
Classification: Likely pathogenic for Peroxisome biogenesis disorder 6A (Zellweger); Peroxisome biogenesis disorder 6B. Last evaluated: 2017-10-16. Review status: no assertion criteria provided. Collection method: clinical testing. Allele origin: unknown. Not counted in ClinVar's aggregate classification.

Literature cited by the submitters: PubMed 20695019 (cited by Labcorp Genetics (formerly Invitae), Labcorp); PubMed 27230853 (cited by Labcorp Genetics (formerly Invitae), Labcorp); PubMed 17576681 (cited by Labcorp Genetics (formerly Invitae), Labcorp); PubMed 9536098 (cited by Labcorp Genetics (formerly Invitae), Labcorp).

NM_002617.4(PEX10):c.912+1G>C

Gene: PEX10 (peroxisomal biogenesis factor 10; minus strand). Cytogenetic location: 1p36.32.
Variant type: single nucleotide variant.
Coding change: c.912+1G>C on transcript NM_002617.4 (MANE Select); the canonical splice donor site of the intron after coding-DNA position 912, G replaced by C.
Molecular consequence: splice donor variant.
Genome position (GRCh38, 1-based): chr1:2,406,483, C>G on the plus strand (G>C on the coding strand, the complement: PEX10 is on the minus strand). VCF-style: chr1-2406483-C-G. GRCh37 (hg19) VCF-style: chr1-2337922-C-G.
Other names: c.480+1G>C (NM_001374427.1); c.537+1G>C (NM_001374426.1); c.969+1G>C (NM_001374425.1); c.972+1G>C (NM_153818.2).
Identifiers: ClinVar variation 554342 (VCV000554342.13), dbSNP rs1553231739, ClinGen allele CA337983985.
Genomic context (GRCh38, chr1:2,406,483, plus strand): 5'-AGGTGCATCTTGCCGGCACAGCCGCTGACCACCCCAGGACGGCAGCAGGCTCCCACCTCA[C>G]CTTGCTGCTGCACCACGCGGTGATGCACTCCCAGCAGAACAGGTGGCCGCAGGGCGTGGC-3'